The following is an entry in ClinVar:

NM_004629.2(FANCG):c.1359del (p.Ala454fs)

Gene: FANCG (FA complementation group G; minus strand). Cytogenetic location: 9p13.3.
Variant type: Deletion.
Coding change: c.1359del on transcript NM_004629.2 (MANE Select); coding-DNA position 1359, one base deleted (T; older notation c.1359delT).
Protein change: p.Ala454fs; shifts the reading frame from alanine 454.
Molecular consequence: frameshift variant.
Genome position (GRCh38, 1-based): chr9:35,075,539, A deleted on the plus strand (T on the coding strand, the reverse complement: FANCG is on the minus strand). VCF-style (leftmost placement, unchanged base first): chr9-35075538-CA-C. GRCh37 (hg19) VCF-style: chr9-35075535-CA-C.
Other names: short protein forms A454fs.
Identifiers: ClinVar variation 929696 (VCV000929696.2), dbSNP rs1829066243, ClinGen allele CA1139660964.

ClinVar aggregate classification (germline): Likely pathogenic. Review status: criteria provided, single submitter (1 of 4 stars). 2 submissions from 2 submitters: Likely pathogenic (1). 1 of the submissions does not count toward it. Last evaluated 2023-11-21.

Conditions:
Fanconi anemia complementation group G. Also called: FANCG-Related Fanconi Anemia; Fanconi anemia group G. Identifiers: Orphanet 84, MedGen C3469527, MONDO:0013565, OMIM 614082.

Allele frequency attached by ClinVar (database versions not stated): gnomAD exomes below 0.00001.

Submissions (2):

Baylor Genetics
Classification: Likely pathogenic for Fanconi anemia complementation group G. Last evaluated: 2023-11-21. Review status: criteria provided, single submitter. Criteria: ACMG Guidelines, 2015. Collection method: clinical testing. Allele origin: unknown.

Leiden Open Variation Database
Classification: Likely pathogenic for Fanconi anemia complementation group G. Last evaluated: 2020-02-28. Review status: no assertion criteria provided. Collection method: curation. Allele origin: germline. Affected: yes. Not counted in ClinVar's aggregate classification.
Comment: Curator: Arleen D. Auerbach. Submitter to LOVD: Myungshin Kim.